The following is an entry in ClinVar:

ClinVar aggregate classification (germline): Uncertain significance (1 of 4 stars; one submission).

gnomAD v4.1: 11 of 1,613,904 alleles (0.00068%); highest among the groups gnomAD compares: Non-Finnish European, 0.00093%; no homozygotes.

Submission:

Labcorp Genetics (formerly Invitae), Labcorp
Classification: Uncertain significance. Last evaluated: 2025-03-22. Review status: criteria provided, single submitter. Criteria: Invitae Variant Classification Sherloc (09022015). Collection method: clinical testing. Allele origin: germline.
Comment: This sequence change replaces threonine, which is neutral and polar, with isoleucine, which is neutral and non-polar, at codon 510 of the EPB41 protein (p.Thr510Ile). This variant is present in population databases (no rsID available, gnomAD 0.002%). This variant has not been reported in the literature in individuals affected with EPB41-related conditions. Invitae Evidence Modeling of protein sequence and biophysical properties (such as structural, functional, and spatial information, amino acid conservation, physicochemical variation, residue mobility, and thermodynamic stability) indicates that this missense variant is not expected to disrupt EPB41 protein function with a negative predictive value of 80%. In summary, the available evidence is currently insufficient to determine the role of this variant in disease. Therefore, it has been classified as a Variant of Uncertain Significance.

NM_001376013.1(EPB41):c.2255C>T (p.Thr752Ile)

Gene: EPB41 (erythrocyte membrane protein band 4.1; plus strand). Cytogenetic location: 1p35.3.
Variant type: single nucleotide variant.
Coding change: c.2255C>T on transcript NM_001376013.1 (MANE Select); coding-DNA position 2255, C replaced by T.
Protein change: p.Thr752Ile; replaces threonine 752 with isoleucine.
Molecular consequence: missense variant.
Genome position (GRCh38, 1-based): chr1:29,097,877, C>T. VCF-style: chr1-29097877-C-T. GRCh37 (hg19) VCF-style: chr1-29424389-C-T.
Other names: c.2150C>T, p.Thr717Ile (NM_001376015.1); c.1628C>T, p.Thr543Ile (NM_001376022.1); c.1529C>T, p.Thr510Ile (NM_004437.4); c.1586C>T, p.Thr529Ile (NM_203342.3); c.1988C>T, p.Thr663Ile (NM_203343.3); c.2255C>T, p.Thr752Ile (NM_001166005.2); c.1466C>T, p.Thr489Ile (NM_001166007.2); c.2186C>T, p.Thr729Ile (NM_001376014.1); short protein forms T663I, T717I, T489I, T510I, T529I, T543I, T752I, T729I.
Identifiers: ClinVar variation 4768153 (VCV004768153.1).
Genomic context (GRCh38, chr1:29,097,877, plus strand): 5'-TGAAGACACAAACTGTCACCATCTCAGATAATGCCAATGCTGTGAAAAGTGAAATCCCAA[C>T]CAAAGACGTCCCTATTGTCCACACTGAGACCAAGACCATCACTTATGAGGCTGCCCAGGT-3'
Protein context (NP_001362942.1, residues 742-762): NANAVKSEIP[Thr752Ile]KDVPIVHTET